The following is an entry in ClinVar:

NM_174936.4(PCSK9):c.168C>A (p.Pro56=)

Gene: PCSK9 (proprotein convertase subtilisin/kexin type 9; plus strand). Cytogenetic location: 1p32.3.
Variant type: single nucleotide variant.
Coding change: c.168C>A on transcript NM_174936.4 (MANE Select); coding-DNA position 168, C replaced by A.
Protein change: p.Pro56=; no amino-acid change (proline 56 retained).
Molecular consequence: synonymous variant. On other transcripts: non-coding transcript variant (8), 5 prime UTR variant (1).
Genome position (GRCh38, 1-based): chr1:55,040,005, C>A. VCF-style: chr1-55040005-C-A. GRCh37 (hg19) VCF-style: chr1-55505678-C-A.
Other names: c.168C>A, p.Pro56= (NM_001407240.1, NM_001407241.1, NM_001407242.1 and 4 more transcripts); c.-567C>A (NM_001407246.1).
Identifiers: ClinVar variation 3074164 (VCV003074164.1), dbSNP rs763029049, ClinGen allele CA417957434.
Genomic context (GRCh38, chr1:55,040,005, plus strand): 5'-CGACTACGAGGAGCTGGTGCTAGCCTTGCGTTCCGAGGAGGACGGCCTGGCCGAAGCACC[C>A]GAGCACGGAACCACAGCCACCTTCCACCGCTGCGCCAAGGTGCGGGTGTAGGGATGGGAG-3'
Protein context (NP_777596.2, residues 46-66): RSEEDGLAEA[Pro56=]EHGTTATFHR

ClinVar aggregate classification (germline): Likely benign (1 of 4 stars; one submission).

Conditions:
Hypercholesterolemia, autosomal dominant, 3 (FHCL3). Also called: Familial Hypercholesterolemia, Autosomal Dominant, 3; PCSK9-Related Familial Hypercholesterolemia, Autosomal Dominant; Familial hypercholesterolemia 3. Identifiers: MedGen C1863551, MONDO:0011369, OMIM 603776.

Submission:

All of Us Research Program, National Institutes of Health
Classification: Likely benign for Hypercholesterolemia, autosomal dominant, 3. Last evaluated: 2023-10-27. Review status: criteria provided, single submitter. Criteria: ACMG Guidelines, 2015. Collection method: clinical testing. Allele origin: germline. Inheritance: Autosomal dominant inheritance. Observed: 1 variant allele, 1 heterozygote.
Comment: This study involves interpretation of variants in research participants for the purpose of population health screening. Participant phenotype was not available at the time of variant classification. Additional details can be found in publication PMID: 35346344, PMCID: PMC8962531